The following is an entry in ClinVar:

ClinVar aggregate classification (germline): Uncertain significance (1 of 4 stars; one submission).

Conditions:
Neuroblastoma, susceptibility to, 3. Also called: ALK-Related Neuroblastic Tumor Susceptibility. Identifiers: Orphanet 635, MedGen C2751681, MONDO:0013083, OMIM 613014.

Submission:

Labcorp Genetics (formerly Invitae), Labcorp
Classification: Uncertain significance for Neuroblastoma, susceptibility to, 3. Last evaluated: 2021-11-16. Review status: criteria provided, single submitter. Criteria: Invitae Variant Classification Sherloc (09022015). Collection method: clinical testing. Allele origin: germline.
Comment: In summary, the available evidence is currently insufficient to determine the role of this variant in disease. Therefore, it has been classified as a Variant of Uncertain Significance. Algorithms developed to predict the effect of missense changes on protein structure and function output the following: SIFT: "Deleterious"; PolyPhen-2: "Benign"; Align-GVGD: "Class C0". The threonine amino acid residue is found in multiple mammalian species, which suggests that this missense change does not adversely affect protein function. This variant has not been reported in the literature in individuals affected with ALK-related conditions. This variant is not present in population databases (gnomAD no frequency). This sequence change replaces proline, which is neutral and non-polar, with threonine, which is neutral and polar, at codon 1262 of the ALK protein (p.Pro1262Thr).

NM_004304.5(ALK):c.3784C>A (p.Pro1262Thr)

Gene: ALK (ALK receptor tyrosine kinase; minus strand). Cytogenetic location: 2p23.2.
Variant type: single nucleotide variant.
Coding change: c.3784C>A on transcript NM_004304.5 (MANE Select); coding-DNA position 3784, C replaced by A.
Protein change: p.Pro1262Thr; replaces proline 1262 with threonine.
Molecular consequence: missense variant.
Genome position (GRCh38, 1-based): chr2:29,209,838, G>T on the plus strand (C>A on the coding strand, the complement: ALK is on the minus strand). VCF-style: chr2-29209838-G-T. GRCh37 (hg19) VCF-style: chr2-29432704-G-T.
Other names: c.580C>A, p.Pro194Thr (NM_001353765.2); short protein forms P1262T, P194T.
Identifiers: ClinVar variation 1395203 (VCV001395203.6), dbSNP rs774360880, ClinGen allele CA346469720.
Genomic context (GRCh38, chr2:29,209,838, plus strand): 5'-TTACTCACCTGTAGATGTCTCGGGCCATCCCGAAGTCTCCAATCTTGGCCACTCTTCCAG[G>T]GCCTGGACAGGTCAAGAGGCAGTTTCTGGCAGCAATGTCTCTGGGAAGAAAGGAAATGCA-3'
Protein context (NP_004295.2, residues 1252-1272): ARNCLLTCPG[Pro1262Thr]GRVAKIGDFG